The following is an entry in ClinVar:

ClinVar aggregate classification (germline): Pathogenic (3 of 4 stars; one submission).

Conditions:
Glanzmann thrombasthenia. Also called: BLEEDING DISORDER, PLATELET-TYPE, 2; THROMBASTHENIA OF GLANZMANN AND NAEGELI; PLATELET GLYCOPROTEIN IIb-IIIa DEFICIENCY; Glanzmann's thrombasthenia; Thrombasthenia. Identifiers: Orphanet 849, MedGen C0040015, MONDO:0100326.

Submission:

ClinGen Platelet Disorders Variant Curation Expert Panel, ClinGen
Classification: Pathogenic for Glanzmann thrombasthenia. Last evaluated: 2020-09-06. Review status: reviewed by expert panel. Criteria: ClinGen Platelet ACMG Specifications v2. Collection method: curation. Allele origin: germline. Inheritance: Autosomal recessive inheritance.
Comment: The frameshift variant NM_000212.2:c.774_775del results in the immediate creation of a premature stop codon in exon 5 of 15, which is expected to result in NMD. It is absent from population databases but has been reported in one compound heterozygous patient with a phenotype highly specific to GT (PMID: 25539746). In summary, based on the available evidence at this time, the variant is classified as Pathogenic. GT-specific criteria applied: PVS1, PM2_supporting, PP4_moderate.

Literature cited by the submitters: PubMed 25539746.

NM_000212.3(ITGB3):c.774_775del (p.Cys258_Asp259delinsTer)

Genes: ITGB3 (integrin subunit beta 3; plus strand), LOC130061044 (ATAC-STARR-seq lymphoblastoid active region 12308; plus strand). Cytogenetic location: 17q21.32.
Variant type: Microsatellite.
Coding change: c.774_775del on transcript NM_000212.3 (MANE Select); coding-DNA positions 774 to 775, 2 bases deleted (TG; older notation c.774_775delTG).
Protein change: p.Cys258_Asp259delinsTer.
Molecular consequence: nonsense.
Genome position (GRCh38, 1-based): chr17:47,286,419-47,286,420, TG deleted; deleting any 2 consecutive bases within chr17:47,286,417-47,286,420 gives the same sequence; the c. name uses the placement nearest the transcript's 3' end. VCF-style (leftmost placement, unchanged base first): chr17-47286416-CTG-C. GRCh37 (hg19) VCF-style: chr17-45363782-CTG-C.
Identifiers: ClinVar variation 953052 (VCV000953052.3), dbSNP rs2065103002, ClinGen allele CA915940285.